The following is an entry in ClinVar:

NM_003322.6(TULP1):c.427C>G (p.Pro143Ala)

Gene: TULP1 (TUB like protein 1; minus strand). Cytogenetic location: 6p21.31.
Variant type: single nucleotide variant.
Coding change: c.427C>G on transcript NM_003322.6 (MANE Select); coding-DNA position 427, C replaced by G.
Protein change: p.Pro143Ala; replaces proline 143 with alanine.
Molecular consequence: missense variant.
Genome position (GRCh38, 1-based): chr6:35,510,933, G>C on the plus strand (C>G on the coding strand, the complement: TULP1 is on the minus strand). VCF-style: chr6-35510933-G-C. GRCh37 (hg19) VCF-style: chr6-35478710-G-C.
Other names: c.427C>G (NM_003322.5); c.268C>G, p.Pro90Ala (NM_001289395.2); short protein forms P143A, P90A.
Identifiers: ClinVar variation 707591 (VCV000707591.13), dbSNP rs114056023, ClinGen allele CA3772922.
Genomic context (GRCh38, chr6:35,510,933, plus strand): 5'-GGGCCTTGGCCCTCCTCTCCTTCAGGTCTGCGGAGCTCTTCTCTCTCAGGGGCTTCTTGG[G>C]AGGCAGAAGGATTTTCTCTTTCTTTTCCTCTGCCTCCTCTTCCTCGTCCTCCTCGTCCTC-3'
Protein context (NP_003313.3, residues 133-153): EEKKEKILLP[Pro143Ala]KKPLREKSSA

ClinVar aggregate classification (germline): Likely benign. Review status: criteria provided, multiple submitters, no conflicts (2 of 4 stars). 3 submissions from 3 submitters: Likely benign (2). 1 of the submissions does not count toward it. Last evaluated 2026-01-24.

Conditions:
TULP1-related disorder. Also called: TULP1-related condition; TULP1-related disorders.

Allele frequency attached by ClinVar (database versions not stated): gnomAD exomes 0.00018; ExAC 0.00022; 1000 Genomes Project 0.00060; ESP Exome Variant Server 0.00062; gnomAD 0.00072 and 0.00076; TOPMed 0.00090; 1000 Genomes Project 30x 0.00094.
gnomAD v4.1: 231 of 1,613,538 alleles (0.014%); highest among the groups gnomAD compares: African/African-American, 0.26%; no homozygotes.

Submissions (3):

Labcorp Genetics (formerly Invitae), Labcorp
Classification: Likely benign. Last evaluated: 2026-01-24. Review status: criteria provided, single submitter. Criteria: Invitae Variant Classification Sherloc (09022015). Collection method: clinical testing. Allele origin: germline.

Blueprint Genetics
Classification: Likely benign. Last evaluated: 2024-02-15. Review status: criteria provided, single submitter. Criteria: ACMG Guidelines, 2015. Collection method: clinical testing. Allele origin: germline.

PreventionGenetics, part of Exact Sciences
Classification: Likely benign for TULP1-related condition. Last evaluated: 2024-03-07. Review status: no assertion criteria provided. Collection method: clinical testing. Allele origin: germline. Not counted in ClinVar's aggregate classification.
Comment: This variant is classified as likely benign based on ACMG/AMP sequence variant interpretation guidelines (Richards et al. 2015 PMID: 25741868, with internal and published modifications).